The following is an entry in ClinVar:

ClinVar aggregate classification (germline): Uncertain significance. Review status: criteria provided, multiple submitters, no conflicts (2 of 4 stars). 2 submissions from 2 submitters: Uncertain significance (2). Last evaluated 2025-12-12.

Allele frequency attached by ClinVar (database versions not stated): gnomAD exomes 0.00003 and 0.00008; gnomAD 0.00004 and 0.00005; TOPMed 0.00005; ExAC 0.00013; 1000 Genomes Project 0.00040; 1000 Genomes Project 30x 0.00062.

Submissions (2):

GeneDx
Classification: Uncertain significance. Last evaluated: 2025-12-12. Review status: criteria provided, single submitter. Criteria: GeneDx Variant Classification Process June 2021. Collection method: clinical testing. Allele origin: germline. Affected: yes.
Comment: Has not been previously published as pathogenic or benign to our knowledge; In silico analysis suggests that this missense variant does not alter protein structure/function

Labcorp Genetics (formerly Invitae), Labcorp
Classification: Uncertain significance. Last evaluated: 2025-09-13. Review status: criteria provided, single submitter. Criteria: Invitae Variant Classification Sherloc (09022015). Collection method: clinical testing. Allele origin: germline.
Comment: This sequence change replaces arginine, which is basic and polar, with glutamine, which is neutral and polar, at codon 286 of the DNA2 protein (p.Arg286Gln). This variant is present in population databases (rs557583178, gnomAD 0.09%). This variant has not been reported in the literature in individuals affected with DNA2-related conditions. ClinVar contains an entry for this variant (Variation ID: 1300307). Invitae Evidence Modeling of protein sequence and biophysical properties (such as structural, functional, and spatial information, amino acid conservation, physicochemical variation, residue mobility, and thermodynamic stability) indicates that this missense variant is not expected to disrupt DNA2 protein function with a negative predictive value of 80%. In summary, the available evidence is currently insufficient to determine the role of this variant in disease. Therefore, it has been classified as a Variant of Uncertain Significance.

NM_001080449.3(DNA2):c.857G>A (p.Arg286Gln)

Gene: DNA2 (DNA replication helicase/nuclease 2; minus strand). Cytogenetic location: 10q21.3.
Variant type: single nucleotide variant.
Coding change: c.857G>A on transcript NM_001080449.3 (MANE Select); coding-DNA position 857, G replaced by A.
Protein change: p.Arg286Gln; replaces arginine 286 with glutamine.
Molecular consequence: missense variant. On other transcripts: non-coding transcript variant (1).
Genome position (GRCh38, 1-based): chr10:68,450,110, C>T on the plus strand (G>A on the coding strand, the complement: DNA2 is on the minus strand). VCF-style: chr10-68450110-C-T. GRCh37 (hg19) VCF-style: chr10-70209867-C-T.
Other names: short protein forms R286Q.
Identifiers: ClinVar variation 1300307 (VCV001300307.7), dbSNP rs557583178, ClinGen allele CA5525198.